The following is an entry in ClinVar:

NM_000426.4(LAMA2):c.7266G>A (p.Trp2422Ter)

Gene: LAMA2 (laminin subunit alpha 2; plus strand). Cytogenetic location: 6q22.33.
Variant type: single nucleotide variant.
Coding change: c.7266G>A on transcript NM_000426.4 (MANE Select); coding-DNA position 7266, G replaced by A.
Protein change: p.Trp2422Ter; replaces tryptophan 2422 with a stop codon.
Molecular consequence: nonsense.
Genome position (GRCh38, 1-based): chr6:129,465,255, G>A. VCF-style: chr6-129465255-G-A. GRCh37 (hg19) VCF-style: chr6-129786400-G-A.
Other names: c.7266G>A, p.Trp2422Ter (NM_001079823.2); short protein forms W2422*.
Identifiers: ClinVar variation 983646 (VCV000983646.4), dbSNP rs1783482812, ClinGen allele CA365622099.

ClinVar aggregate classification (germline): Likely pathogenic (1 of 4 stars; one submission).

Conditions:
LAMA2-related muscular dystrophy (LAMA2-RD). Also called: Laminin alpha 2-related dystrophy. Identifiers: MedGen C5679788, MONDO:0100228.

Submission:

Myriad Genetics, Inc.
Classification: Likely pathogenic for LAMA2-related muscular dystrophy. Last evaluated: 2019-09-30. Review status: criteria provided, single submitter. Criteria: Myriad Autosomal Dominant, Autosomal Recessive and X-Linked Classification Criteria (2023). Collection method: clinical testing. Allele origin: unknown.
Comment: NM_000426.3(LAMA2):c.7266G>A(W2422*) is expected to be pathogenic in the context of LAMA2-related muscular dystrophy. This variant is predicted to lead to an abnormal or absent protein product due to the creation of a premature termination codon in LAMA2, a gene where loss-of-function variants are known to be pathogenic. Please note: this variant was assessed in the context of healthy population screening.